The following is an entry in ClinVar:

NM_005535.3(IL12RB1):c.1429G>A (p.Val477Ile)

Gene: IL12RB1 (interleukin 12 receptor subunit beta 1; minus strand). Cytogenetic location: 19p13.11.
Variant type: single nucleotide variant.
Coding change: c.1429G>A on transcript NM_005535.3 (MANE Select); coding-DNA position 1429, G replaced by A.
Protein change: p.Val477Ile; replaces valine 477 with isoleucine.
Molecular consequence: missense variant.
Genome position (GRCh38, 1-based): chr19:18,066,596, C>T on the plus strand (G>A on the coding strand, the complement: IL12RB1 is on the minus strand). VCF-style: chr19-18066596-C-T. GRCh37 (hg19) VCF-style: chr19-18177406-C-T.
Other names: c.1429G>A, p.Val477Ile (NM_001290023.2); c.1549G>A, p.Val517Ile (NM_001290024.2); short protein forms V477I, V517I.
Identifiers: ClinVar variation 328582 (VCV000328582.14), dbSNP rs142884929, ClinGen allele CA9304838.

ClinVar aggregate classification (germline): Uncertain significance. Review status: criteria provided, multiple submitters, no conflicts (2 of 4 stars). 3 submissions from 3 submitters: Uncertain significance (3). Last evaluated 2026-02-02.

Conditions:
Mendelian susceptibility to mycobacterial diseases due to complete IL12RB1 deficiency. Also called: IL12RB1 DEFICIENCY; Immunodeficiency 30. Identifiers: Orphanet 319552, MedGen C4013949, MONDO:0013955, OMIM 614891.

Allele frequency attached by ClinVar (database versions not stated): ESP Exome Variant Server 0.00008; gnomAD exomes 0.00009 and 0.00017; gnomAD 0.00011; 1000 Genomes Project 30x 0.00016; 1000 Genomes Project 0.00020; TOPMed 0.00020; ExAC 0.00021.

Submissions (3):

Labcorp Genetics (formerly Invitae), Labcorp
Classification: Uncertain significance for Mendelian susceptibility to mycobacterial diseases due to complete IL12RB1 deficiency. Last evaluated: 2026-02-02. Review status: criteria provided, single submitter. Criteria: Invitae Variant Classification Sherloc (09022015). Collection method: clinical testing. Allele origin: germline.
Comment: This sequence change replaces valine, which is neutral and non-polar, with isoleucine, which is neutral and non-polar, at codon 477 of the IL12RB1 protein (p.Val477Ile). This variant is present in population databases (rs142884929, gnomAD 0.1%). This variant has not been reported in the literature in individuals affected with IL12RB1-related conditions. ClinVar contains an entry for this variant (Variation ID: 328582). Invitae Evidence Modeling of protein sequence and biophysical properties (such as structural, functional, and spatial information, amino acid conservation, physicochemical variation, residue mobility, and thermodynamic stability) indicates that this missense variant is not expected to disrupt IL12RB1 protein function with a negative predictive value of 80%. In summary, the available evidence is currently insufficient to determine the role of this variant in disease. Therefore, it has been classified as a Variant of Uncertain Significance.

Center for Genomics, Ann and Robert H. Lurie Children's Hospital of Chicago
Classification: Uncertain significance for Mendelian susceptibility to mycobacterial diseases due to complete IL12RB1 deficiency. Last evaluated: 2021-03-18. Review status: criteria provided, single submitter. Criteria: ACMG Guidelines, 2015. Collection method: clinical testing. Allele origin: germline.
Comment: IL12RB1 NM_005535.2 exon 12 p.Val477Ile (c.1429G>A): This variant has not been reported in the literature but is present in 0.02% (9/41422) of African alleles in the Genome Aggregation Database. This variant is present in ClinVar (Variation ID:328582). Evolutionary conservation and computational predictive tools for this variant are unclear. In summary, data on this variant is insufficient for disease classification. Therefore, the clinical significance of this variant is uncertain.

Illumina Laboratory Services, Illumina
Classification: Uncertain significance for Mendelian susceptibility to mycobacterial diseases due to complete IL12RB1 deficiency. Last evaluated: 2018-01-13. Review status: criteria provided, single submitter. Criteria: ICSL Variant Classification Criteria 13 December 2019. Collection method: clinical testing. Allele origin: germline.